The following is an entry in ClinVar:

NM_018489.3(ASH1L):c.5308G>A (p.Val1770Ile)

Gene: ASH1L (ASH1 like histone lysine methyltransferase; minus strand). Cytogenetic location: 1q22.
Variant type: single nucleotide variant.
Coding change: c.5308G>A on transcript NM_018489.3 (MANE Select); coding-DNA position 5308, G replaced by A.
Protein change: p.Val1770Ile; replaces valine 1770 with isoleucine.
Molecular consequence: missense variant.
Genome position (GRCh38, 1-based): chr1:155,438,847, C>T on the plus strand (G>A on the coding strand, the complement: ASH1L is on the minus strand). VCF-style: chr1-155438847-C-T. GRCh37 (hg19) VCF-style: chr1-155408638-C-T.
Other names: c.5308G>A, p.Val1770Ile (NM_001366177.2); short protein forms V1770I.
Identifiers: ClinVar variation 1804230 (VCV001804230.1), dbSNP rs1662315554, ClinGen allele CA342691665.
Genomic context (GRCh38, chr1:155,438,847, plus strand): 5'-AGCTGCTTGTCAACTTTTCAGATAGGAGTGAGATGCTATTATTGCAAGAGTCACTTGTGA[C>T]TGCAGGCACTAAAAGGCTGTCTGGTTTTCCCAGGGTTCGGTCCTTGCTGTGGCTACGGCC-3'
Protein context (NP_060959.2, residues 1760-1780): GKPDSLLVPA[Val1770Ile]TSDSCNNSIS

ClinVar aggregate classification (germline): Uncertain significance (1 of 4 stars; one submission).

Submission:

GeneDx
Classification: Uncertain significance. Last evaluated: 2022-06-16. Review status: criteria provided, single submitter. Criteria: GeneDx Variant Classification Process June 2021. Collection method: clinical testing. Allele origin: germline. Affected: yes.
Comment: Not observed at significant frequency in large population cohorts (gnomAD); In silico analysis supports that this missense variant does not alter protein structure/function; Has not been previously published as pathogenic or benign to our knowledge